The following is an entry in ClinVar:

ClinVar aggregate classification (germline): Uncertain significance (1 of 4 stars; one submission).

Conditions:
Retinitis pigmentosa 59 (RP59). Identifiers: Orphanet 791, MedGen C3151227, MONDO:0013468, OMIM 613861.

Allele frequency attached by ClinVar (database versions not stated): TOPMed below 0.00001.

Submission:

Labcorp Genetics (formerly Invitae), Labcorp
Classification: Uncertain significance for Retinitis pigmentosa 59. Last evaluated: 2024-02-05. Review status: criteria provided, single submitter. Criteria: Invitae Variant Classification Sherloc (09022015). Collection method: clinical testing. Allele origin: germline.
Comment: This sequence change replaces glutamine, which is neutral and polar, with arginine, which is basic and polar, at codon 48 of the DHDDS protein (p.Gln48Arg). This variant is not present in population databases (gnomAD no frequency). This variant has not been reported in the literature in individuals affected with DHDDS-related conditions. ClinVar contains an entry for this variant (Variation ID: 1373800). Advanced modeling of protein sequence and biophysical properties (such as structural, functional, and spatial information, amino acid conservation, physicochemical variation, residue mobility, and thermodynamic stability) performed at Invitae indicates that this missense variant is not expected to disrupt DHDDS protein function with a negative predictive value of 80%. In summary, the available evidence is currently insufficient to determine the role of this variant in disease. Therefore, it has been classified as a Variant of Uncertain Significance.

NM_205861.3(DHDDS):c.143A>G (p.Gln48Arg)

Gene: DHDDS (dehydrodolichyl diphosphate synthase subunit; plus strand). Cytogenetic location: 1p36.11.
Variant type: single nucleotide variant.
Coding change: c.143A>G on transcript NM_205861.3 (MANE Select); coding-DNA position 143, A replaced by G.
Protein change: p.Gln48Arg; replaces glutamine 48 with arginine.
Molecular consequence: missense variant. On other transcripts: 5 prime UTR variant (1).
Genome position (GRCh38, 1-based): chr1:26,438,247, A>G. VCF-style: chr1-26438247-A-G. GRCh37 (hg19) VCF-style: chr1-26764738-A-G.
Other names: c.143A>G, p.Gln48Arg (NM_001243564.2, NM_001243565.2, NM_024887.4); c.-160A>G (NM_001319959.2); short protein forms Q48R.
Identifiers: ClinVar variation 1373800 (VCV001373800.7), dbSNP rs938589146, ClinGen allele CA19769802.